The following is an entry in ClinVar:

ClinVar aggregate classification (germline): Uncertain significance (1 of 4 stars; one submission).

Conditions:
Familial cold autoinflammatory syndrome 3 (FCAS3). Also called: FAMILIAL ATYPICAL COLD URTICARIA; ANTIBODY DEFICIENCY AND IMMUNE DYSREGULATION, PLCG2-ASSOCIATED. Identifiers: Orphanet 300359, MedGen C3280914, MONDO:0013766, OMIM 614468.

Allele frequency attached by ClinVar (database versions not stated): gnomAD exomes below 0.00001.
gnomAD v4.1: 2 of 1,613,638 alleles (0.00012%); highest among the groups gnomAD compares: Non-Finnish European, 0.00017%; no homozygotes.

Submission:

Labcorp Genetics (formerly Invitae), Labcorp
Classification: Uncertain significance for Familial cold autoinflammatory syndrome 3. Last evaluated: 2022-08-23. Review status: criteria provided, single submitter. Criteria: Invitae Variant Classification Sherloc (09022015). Collection method: clinical testing. Allele origin: germline.
Comment: This sequence change replaces glutamine, which is neutral and polar, with histidine, which is basic and polar, at codon 1246 of the PLCG2 protein (p.Gln1246His). This variant is not present in population databases (gnomAD no frequency). This variant has not been reported in the literature in individuals affected with PLCG2-related conditions. Algorithms developed to predict the effect of missense changes on protein structure and function are either unavailable or do not agree on the potential impact of this missense change (SIFT: "Tolerated"; PolyPhen-2: "Possibly Damaging"; Align-GVGD: "Class C0"). In summary, the available evidence is currently insufficient to determine the role of this variant in disease. Therefore, it has been classified as a Variant of Uncertain Significance.

NM_002661.5(PLCG2):c.3738G>C (p.Gln1246His)

Gene: PLCG2 (phospholipase C gamma 2; plus strand). Cytogenetic location: 16q23.3.
Variant type: single nucleotide variant.
Coding change: c.3738G>C on transcript NM_002661.5 (MANE Select); coding-DNA position 3738, G replaced by C.
Protein change: p.Gln1246His; replaces glutamine 1246 with histidine.
Molecular consequence: missense variant.
Genome position (GRCh38, 1-based): chr16:81,956,862, G>C. VCF-style: chr16-81956862-G-C. GRCh37 (hg19) VCF-style: chr16-81990467-G-C.
Other names: short protein forms Q1246H.
Identifiers: ClinVar variation 1717865 (VCV001717865.5), dbSNP rs912000542, ClinGen allele CA396898627.